The following is an entry in ClinVar:

NM_018685.5(ANLN):c.191C>G (p.Pro64Arg)

Gene: ANLN (anillin, actin binding protein; plus strand). Cytogenetic location: 7p14.2.
Variant type: single nucleotide variant.
Coding change: c.191C>G on transcript NM_018685.5 (MANE Select); coding-DNA position 191, C replaced by G.
Protein change: p.Pro64Arg; replaces proline 64 with arginine.
Molecular consequence: missense variant.
Genome position (GRCh38, 1-based): chr7:36,399,097, C>G. VCF-style: chr7-36399097-C-G. GRCh37 (hg19) VCF-style: chr7-36438706-C-G.
Other names: c.191C>G, p.Pro64Arg (NM_001284301.3, NM_001284302.3); c.191C>G (NM_018685.2); short protein forms P64R.
Identifiers: ClinVar variation 829977 (VCV000829977.7), dbSNP rs200238245, ClinGen allele CA4219298.

ClinVar aggregate classification (germline): Uncertain significance. Review status: criteria provided, multiple submitters, no conflicts (2 of 4 stars). 3 submissions from 3 submitters: Uncertain significance (2). 1 of the submissions does not count toward it. Last evaluated 2025-07-15.

Conditions:
Focal segmental glomerulosclerosis 8 (FSGS8). Identifiers: Orphanet 656, MedGen C4014993, MONDO:0014462, OMIM 616032.

Allele frequency attached by ClinVar (database versions not stated): gnomAD 0.00003; TOPMed 0.00004; ESP Exome Variant Server 0.00008; gnomAD exomes 0.00008; ExAC 0.00012.
gnomAD v4.1: 84 of 1,608,650 alleles (0.0052%); highest among the groups gnomAD compares: Non-Finnish European, 0.0067%; no homozygotes.

Submissions (3):

Ambry Genetics
Classification: Uncertain significance. Last evaluated: 2025-07-15. Review status: criteria provided, single submitter. Criteria: Ambry Variant Classification Scheme 2023. Collection method: clinical testing. Allele origin: germline.

Labcorp Genetics (formerly Invitae), Labcorp
Classification: Uncertain significance. Last evaluated: 2025-02-17. Review status: criteria provided, single submitter. Criteria: Invitae Variant Classification Sherloc (09022015). Collection method: clinical testing. Allele origin: germline.
Comment: This sequence change replaces proline, which is neutral and non-polar, with arginine, which is basic and polar, at codon 64 of the ANLN protein (p.Pro64Arg). This variant is present in population databases (rs200238245, gnomAD 0.02%). This variant has not been reported in the literature in individuals affected with ANLN-related conditions. ClinVar contains an entry for this variant (Variation ID: 829977). An algorithm developed to predict the effect of missense changes on protein structure and function (PolyPhen-2) suggests that this variant is likely to be tolerated. In summary, the available evidence is currently insufficient to determine the role of this variant in disease. Therefore, it has been classified as a Variant of Uncertain Significance.

Bioscientia Institut fuer Medizinische Diagnostik GmbH, Sonic Healthcare
Classification: Uncertain significance for Focal segmental glomerulosclerosis 8. Last evaluated: 2019-11-18. Review status: no assertion criteria provided. Collection method: clinical testing. Allele origin: germline. Affected: yes. Not counted in ClinVar's aggregate classification.